The following is an entry in ClinVar:

ClinVar aggregate classification (germline): Uncertain significance. Review status: criteria provided, multiple submitters, no conflicts (2 of 4 stars). 3 submissions from 3 submitters: Uncertain significance (2). 1 of the submissions does not count toward it. Last evaluated 2024-09-07.

Conditions:
Glycogen storage disease, type IV (GSD4). Also called: AMYLOPECTINOSIS; ANDERSEN DISEASE; BRANCHER DEFICIENCY; CIRRHOSIS, FAMILIAL, WITH DEPOSITION OF ABNORMAL GLYCOGEN; GBE1 DEFICIENCY; GLYCOGEN BRANCHING ENZYME DEFICIENCY. Identifiers: Orphanet 367, MedGen C0017923, MONDO:0009292, OMIM 232500.
Glycogen storage disease IV, classic hepatic. Also called: GSD IV, CLASSIC HEPATIC. Identifiers: MedGen C1856301.

Allele frequency attached by ClinVar (database versions not stated): ExAC 0.00002; gnomAD exomes 0.00002; TOPMed 0.00002; gnomAD 0.00003.
gnomAD v4.1: 38 of 1,612,854 alleles (0.0024%); highest among the groups gnomAD compares: Middle Eastern, 0.051%; no homozygotes.

Submissions (3):

Blueprint Genetics
Classification: Uncertain significance. Last evaluated: 2024-09-07. Review status: criteria provided, single submitter. Criteria: ACMG Guidelines, 2015. Collection method: clinical testing. Allele origin: germline.

Labcorp Genetics (formerly Invitae), Labcorp
Classification: Uncertain significance for Glycogen storage disease, type IV; Glycogen storage disease IV, classic hepatic. Last evaluated: 2022-07-24. Review status: criteria provided, single submitter. Criteria: Invitae Variant Classification Sherloc (09022015). Collection method: clinical testing. Allele origin: germline.
Comment: This sequence change replaces glutamic acid, which is acidic and polar, with lysine, which is basic and polar, at codon 15 of the GBE1 protein (p.Glu15Lys). This variant is present in population databases (rs774709930, gnomAD 0.004%). This variant has not been reported in the literature in individuals affected with GBE1-related conditions. ClinVar contains an entry for this variant (Variation ID: 971050). Advanced modeling of protein sequence and biophysical properties (such as structural, functional, and spatial information, amino acid conservation, physicochemical variation, residue mobility, and thermodynamic stability) performed at Invitae indicates that this missense variant is not expected to disrupt GBE1 protein function. In summary, the available evidence is currently insufficient to determine the role of this variant in disease. Therefore, it has been classified as a Variant of Uncertain Significance.

Natera, Inc.
Classification: Uncertain significance for Glycogen storage disease type IV. Last evaluated: 2020-01-29. Review status: no assertion criteria provided. Collection method: clinical testing. Allele origin: germline. Not counted in ClinVar's aggregate classification.

NM_000158.4(GBE1):c.43G>A (p.Glu15Lys)

Gene: GBE1 (1,4-alpha-glucan branching enzyme 1; minus strand). Cytogenetic location: 3p12.2.
Variant type: single nucleotide variant.
Coding change: c.43G>A on transcript NM_000158.4 (MANE Select); coding-DNA position 43, G replaced by A.
Protein change: p.Glu15Lys; replaces glutamic acid 15 with lysine.
Molecular consequence: missense variant.
Genome position (GRCh38, 1-based): chr3:81,761,475, C>T on the plus strand (G>A on the coding strand, the complement: GBE1 is on the minus strand). VCF-style: chr3-81761475-C-T. GRCh37 (hg19) VCF-style: chr3-81810626-C-T.
Other names: short protein forms E15K.
Identifiers: ClinVar variation 971050 (VCV000971050.5), dbSNP rs774709930, ClinGen allele CA2500108.
Genomic context (GRCh38, chr3:81,761,475, plus strand): 5'-CGATCTCCAGGAGTCTGGCCAGTTCGGGCACGTCAGCCAGGGCGGCATTGAGCGCCGCCT[C>T]GTAGTCCTCGGGCCGAGCCGCGGGAGTCATCGGAGCCGCCATATTCCGCCGCAGTCCAAG-3'
Protein context (NP_000149.4, residues 5-25): MTPAARPEDY[Glu15Lys]AALNAALADV